The following is an entry in ClinVar:

ClinVar aggregate classification (germline): Uncertain significance (1 of 4 stars; one submission).

Allele frequency attached by ClinVar (database versions not stated): gnomAD 0.00001; gnomAD exomes 0.00001; TOPMed 0.00001; ExAC 0.00003; 1000 Genomes Project 30x 0.00031; 1000 Genomes Project 0.00040.
gnomAD v4.1: 12 of 1,588,848 alleles (0.00076%); highest among the groups gnomAD compares: African/African-American, 0.0095%; no homozygotes.

Submission:

GeneDx
Classification: Uncertain significance. Last evaluated: 2022-08-06. Review status: criteria provided, single submitter. Criteria: GeneDx Variant Classification Process June 2021. Collection method: clinical testing. Allele origin: germline. Affected: yes.
Comment: Not observed at significant frequency in large population cohorts (gnomAD); In silico analysis supports that this missense variant does not alter protein structure/function; Has not been previously published as pathogenic or benign to our knowledge

NM_000334.4(SCN4A):c.5483G>A (p.Arg1828His)

Genes: GH-LCR (growth hormone locus control region; plus strand), SCN4A (sodium voltage-gated channel alpha subunit 4; minus strand). Cytogenetic location: 17q23.3.
Variant type: single nucleotide variant.
Coding change: c.5483G>A on transcript NM_000334.4 (MANE Select); coding-DNA position 5483, G replaced by A.
Protein change: p.Arg1828His; replaces arginine 1828 with histidine.
Molecular consequence: missense variant.
Genome position (GRCh38, 1-based): chr17:63,940,799, C>T on the plus strand (G>A on the coding strand, the complement: SCN4A is on the minus strand). VCF-style: chr17-63940799-C-T. GRCh37 (hg19) VCF-style: chr17-62018159-C-T.
Other names: short protein forms R1828H.
Identifiers: ClinVar variation 2428936 (VCV002428936.3), dbSNP rs201555161, ClinGen allele CA8708738.
Genomic context (GRCh38, chr17:63,940,799, plus strand): 5'-CGAGACTCAGTGGGCCACCCCGATGCTGCCTGCTAGACAAGAGACTCCTTGACACCTGGG[C>T]GCACAGTCTGCCCTGGGGGAGGGGCGGGAGGCCAGGCAGTGTCTGAGGGGCTGATGGGCA-3'
Protein context (NP_000325.4, residues 1818-1836): PPAPPPGQTV[Arg1828His]PGVKESLV